The following is an entry in ClinVar:

NC_000005.10:g.112707416G>A

Gene: APC (APC regulator of Wnt signaling pathway; plus strand). Cytogenetic location: 5q22.2.
Variant type: single nucleotide variant.
Genome position: GRCh38 VCF-style: chr5-112707416-G-A. GRCh37 (hg19) VCF-style: chr5-112043113-G-A.
Identifiers: ClinVar variation 1999731 (VCV001999731.5), dbSNP rs1373788988, ClinGen allele CA2580072233.

ClinVar aggregate classification (germline): Uncertain significance (1 of 4 stars; one submission).

Conditions:
Familial adenomatous polyposis 1 (FAP1). Also called: FAMILIAL ADENOMATOUS POLYPOSIS 1, ATTENUATED; POLYPOSIS, ADENOMATOUS INTESTINAL. Identifiers: MedGen C2713442, MONDO:0021056, OMIM 175100. Disease mechanism: loss of function.

Submission:

Labcorp Genetics (formerly Invitae), Labcorp
Classification: Uncertain significance for Familial adenomatous polyposis 1. Last evaluated: 2024-01-19. Review status: criteria provided, single submitter. Criteria: Invitae Variant Classification Sherloc (09022015). Collection method: clinical testing. Allele origin: germline.
Comment: This variant occurs in a non-coding region of the APC gene. It does not change the encoded amino acid sequence of the APC protein. This variant is not present in population databases (gnomAD no frequency). This variant has not been reported in the literature in individuals affected with APC-related conditions. Experimental studies and prediction algorithms are not available or were not evaluated, and the functional significance of this variant is currently unknown. In summary, the available evidence is currently insufficient to determine the role of this variant in disease. Therefore, it has been classified as a Variant of Uncertain Significance.